The following is an entry in ClinVar:

NM_012309.5(SHANK2):c.2258C>A (p.Thr753Asn)

Gene: SHANK2 (SH3 and multiple ankyrin repeat domains 2; minus strand). Cytogenetic location: 11q13.4.
Variant type: single nucleotide variant.
Coding change: c.2258C>A on transcript NM_012309.5 (MANE Select); coding-DNA position 2258, C replaced by A.
Protein change: p.Thr753Asn; replaces threonine 753 with asparagine.
Molecular consequence: missense variant. On other transcripts: non-coding transcript variant (1), intron variant (1).
Genome position (GRCh38, 1-based): chr11:70,502,226, G>T on the plus strand (C>A on the coding strand, the complement: SHANK2 is on the minus strand). VCF-style: chr11-70502226-G-T. GRCh37 (hg19) VCF-style: chr11-70348331-G-T.
Other names: c.1121C>A, p.Thr374Asn (NM_001379226.1, NM_001441040.1, NM_001441041.1); c.2429C>A, p.Thr810Asn (NM_001441024.1); c.2258C>A, p.Thr753Asn (NM_001441025.1, NM_001441026.1, NM_001441027.1 and 11 more transcripts); c.2186C>A, p.Thr729Asn (NM_001441038.1); c.494C>A, p.Thr165Asn (NM_001441042.1, NM_001441043.1, NM_001441044.1 and 3 more transcripts); c.433+570C>A (NM_001441047.1); short protein forms T165N, T374N, T729N, T753N, T810N.
Identifiers: ClinVar variation 4887915 (VCV004887915.1).
Genomic context (GRCh38, chr11:70,502,226, plus strand): 5'-CATGGTGACTGTACAGGGCTGGGCCGGGTGTGCGACTTACCGAGCTCCTCCAGCTCCGAG[G>T]TCATGGACTTGGAGCGCAGGGTGAGGGCTGTGGTCGGTGCCCGCTTTGGAGGCGGGGGAG-3'
Protein context (NP_036441.2, residues 743-763): TALTLRSKSM[Thr753Asn]SELEELVDKA

ClinVar aggregate classification (germline): Uncertain significance (1 of 4 stars; one submission).

Submission:

GeneDx
Classification: Uncertain significance. Last evaluated: 2026-02-17. Review status: criteria provided, single submitter. Criteria: GeneDx Variant Classification Process June 2021. Collection method: clinical testing. Allele origin: germline.
Comment: Not observed at significant frequency in large population cohorts (gnomAD); In silico analysis supports that this missense variant has a deleterious effect on protein structure/function; Has not been previously published as pathogenic or benign to our knowledge